The following is an entry in ClinVar:

NM_000489.6(ATRX):c.1738del (p.Ala580fs)

Gene: ATRX (ATRX chromatin remodeler; minus strand). Cytogenetic location: Xq21.1.
Variant type: Deletion.
Coding change: c.1738del on transcript NM_000489.6 (MANE Select); coding-DNA position 1738, one base deleted (G; older notation c.1738delG).
Protein change: p.Ala580fs; shifts the reading frame from alanine 580.
Molecular consequence: frameshift variant.
Genome position (GRCh38, 1-based): chrX:77,683,518, C deleted on the plus strand (G on the coding strand, the reverse complement: ATRX is on the minus strand). VCF-style (leftmost placement, unchanged base first): chrX-77683517-GC-G. GRCh37 (hg19) VCF-style: chrX-76939009-GC-G.
Other names: c.1624del, p.Ala542fs (NM_138270.5); short protein forms A542fs, A580fs.
Identifiers: ClinVar variation 265348 (VCV000265348.2), dbSNP rs886039493, ClinGen allele CA10588801.

ClinVar aggregate classification (germline): Pathogenic (1 of 4 stars; one submission).

Submission:

GeneDx
Classification: Pathogenic. Last evaluated: 2015-08-26. Review status: criteria provided, single submitter. Criteria: GeneDx Variant Classification (06012015). Collection method: clinical testing. Allele origin: germline. Affected: yes.
Comment: The c.1738delG variant in the ATRX gene causes a frameshift starting with codon Alanine 580, changes this amino acid to a Leucine residue and creates a premature Stop codon at position 3 of the new reading frame, denoted p.A580LfsX3. This variant is predicted to cause loss of normal protein function either through protein truncation or nonsense-mediated mRNA decay. It was not observed in approximately 6,500 individuals of European and African American ancestry in the NHLBI Exome Sequencing Project, indicating it is not a common benign variant in these populations.